The following is an entry in ClinVar:

ClinVar aggregate classification (germline): Pathogenic/Likely pathogenic. Review status: criteria provided, multiple submitters, no conflicts (2 of 4 stars). 4 submissions from 4 submitters: Pathogenic (3); Likely pathogenic (1). Last evaluated 2025-05-27.

Conditions:
Tumor predisposition syndrome 3 (TPDS3). Also called: Glioma susceptibility 9; LONG TELOMERE SYNDROME, POT1-RELATED; POT1 Tumor Predisposition; Melanoma, cutaneous malignant, susceptibility to, 10. Identifiers: Orphanet 618, MedGen C4014476, MONDO:0014368, OMIM 615848.
Hereditary cancer-predisposing syndrome. Also called: Tumor predisposition; Neoplastic Syndromes, Hereditary; Hereditary Cancer Syndrome; Hereditary neoplastic syndrome. Identifiers: Orphanet 140162, MedGen C0027672, MeSH D009386, MONDO:0015356.

Allele frequency attached by ClinVar (database versions not stated): ESP Exome Variant Server 0.00008.

Submissions (4):

Institute for Genomic Medicine (IGM) Clinical Laboratory, Nationwide Children's Hospital
Classification: Likely pathogenic for Tumor predisposition syndrome 3. Last evaluated: 2025-05-27. Review status: criteria provided, single submitter. Criteria: ACMG Guidelines, 2015. Collection method: clinical testing. Allele origin: germline.
Comment: This variant is predicted to result in loss of function through nonsense-mediated decay of the encoded transcript or premature truncation of the encoded protein in a gene in which loss of function is a known mechanism of disease (ACMG/AMP: PVS1). This variant is absent from or present at an exceedingly low frequency in gnomAD, a large-scale control population database (ACMG/AMP: PM2).

Labcorp Genetics (formerly Invitae), Labcorp
Classification: Pathogenic for Tumor predisposition syndrome 3. Last evaluated: 2024-05-27. Review status: criteria provided, single submitter. Criteria: Invitae Variant Classification Sherloc (09022015). Collection method: clinical testing. Allele origin: germline.
Comment: This sequence change creates a premature translational stop signal (p.Ser523*) in the POT1 gene. It is expected to result in an absent or disrupted protein product. Loss-of-function variants in POT1 are known to be pathogenic (PMID: 32155570). This variant is not present in population databases (gnomAD no frequency). This variant has not been reported in the literature in individuals affected with POT1-related conditions. ClinVar contains an entry for this variant (Variation ID: 1775415). Studies have shown that this premature translational stop signal is associated with inconclusive levels of altered splicing (Invitae). For these reasons, this variant has been classified as Pathogenic.

Ambry Genetics
Classification: Pathogenic for Hereditary cancer-predisposing syndrome. Last evaluated: 2022-06-02. Review status: criteria provided, single submitter. Criteria: Ambry Variant Classification Scheme 2023. Collection method: clinical testing. Allele origin: germline.
Comment: The p.S523* pathogenic mutation (also known as c.1568C>A), located in coding exon 12 of the POT1 gene, results from a C to A substitution at nucleotide position 1568. This changes the amino acid from a serine to a stop codon within coding exon 12. This alteration is expected to result in loss of function by premature protein truncation or nonsense-mediated mRNA decay. As such, this alteration is interpreted as a disease-causing mutation.

Institute for Medical Genetics and Human Genetics, Charité - Universitätsmedizin Berlin
Classification: Pathogenic. Review status: criteria provided, single submitter. Criteria: ACMG Guidelines, 2015. Collection method: not provided. Allele origin: germline. Inheritance: Autosomal dominant inheritance. Affected: yes.

Literature cited by the submitters: PubMed 32155570 (cited by Labcorp Genetics (formerly Invitae), Labcorp).

NM_015450.3(POT1):c.1568C>A (p.Ser523Ter)

Gene: POT1 (protection of telomeres 1; minus strand). Cytogenetic location: 7q31.33.
Variant type: single nucleotide variant.
Coding change: c.1568C>A on transcript NM_015450.3 (MANE Select); coding-DNA position 1568, C replaced by A.
Protein change: p.Ser523Ter; replaces serine 523 with a stop codon.
Molecular consequence: nonsense. On other transcripts: non-coding transcript variant (2).
Genome position (GRCh38, 1-based): chr7:124,829,280, G>T on the plus strand (C>A on the coding strand, the complement: POT1 is on the minus strand). VCF-style: chr7-124829280-G-T. GRCh37 (hg19) VCF-style: chr7-124469334-G-T.
Other names: c.1175C>A, p.Ser392Ter (NM_001042594.2); short protein forms S392*, S523*.
Identifiers: ClinVar variation 1775415 (VCV001775415.7), dbSNP rs139388603, ClinGen allele CA166095915.